The following is an entry in ClinVar:

NM_001171.6(ABCC6):c.3802C>T (p.Arg1268Trp)

Gene: ABCC6 (ATP binding cassette subfamily C member 6; minus strand). Cytogenetic location: 16p13.11.
Variant type: single nucleotide variant.
Coding change: c.3802C>T on transcript NM_001171.6 (MANE Select); coding-DNA position 3802, C replaced by T.
Protein change: p.Arg1268Trp; replaces arginine 1268 with tryptophan.
Molecular consequence: missense variant. On other transcripts: non-coding transcript variant (1).
Genome position (GRCh38, 1-based): chr16:16,157,743, G>A on the plus strand (C>T on the coding strand, the complement: ABCC6 is on the minus strand). VCF-style: chr16-16157743-G-A. GRCh37 (hg19) VCF-style: chr16-16251600-G-A.
Other names: c.3802C>T (NM_001171.5); c.3460C>T, p.Arg1154Trp (NM_001351800.1); short protein forms R1268W, R1154W.
Identifiers: ClinVar variation 444363 (VCV000444363.48), dbSNP rs368379895, ClinGen allele CA7925414.

ClinVar aggregate classification (germline): Uncertain significance. Review status: criteria provided, multiple submitters, no conflicts (2 of 4 stars). 5 submissions from 5 submitters: Uncertain significance (4). 1 of the submissions does not count toward it. Last evaluated 2024-07-23.

Conditions:
ABCC6-related disorder. Also called: ABCC6-related condition.
Autosomal recessive inherited pseudoxanthoma elasticum (PXE). Identifiers: Orphanet 758, MedGen CN032334, MONDO:0009925, OMIM 264800.
Pseudoxanthoma elasticum, forme fruste. Also called: Pseudoxanthoma Elasticum, Incomplete; PSEUDOXANTHOMA ELASTICUM, HETEROZYGOUS. Identifiers: Orphanet 758, MedGen C1867450, MONDO:0008333, OMIM 177850.
Arterial calcification, generalized, of infancy, 2. Identifiers: Orphanet 51608, MedGen C3276161, MONDO:0013768, OMIM 614473.

Allele frequency attached by ClinVar (database versions not stated): ExAC 0.00003; gnomAD exomes 0.00006 and 0.00007; ESP Exome Variant Server 0.00008; gnomAD 0.00011; TOPMed 0.00019.
gnomAD v4.1: 108 of 1,613,788 alleles (0.0067%); highest among the groups gnomAD compares: Admixed American, 0.028%; no homozygotes.

Submissions (5):

Blueprint Genetics
Classification: Uncertain significance. Last evaluated: 2024-07-23. Review status: criteria provided, single submitter. Criteria: ACMG Guidelines, 2015. Collection method: clinical testing. Allele origin: germline.

Fulgent Genetics
Classification: Uncertain significance for Pseudoxanthoma elasticum, forme fruste; Autosomal recessive inherited pseudoxanthoma elasticum; Arterial calcification, generalized, of infancy, 2. Last evaluated: 2024-02-07. Review status: criteria provided, single submitter. Criteria: ACMG Guidelines, 2015. Collection method: clinical testing. Allele origin: germline.

Labcorp Genetics (formerly Invitae), Labcorp
Classification: Uncertain significance. Last evaluated: 2022-10-25. Review status: criteria provided, single submitter. Criteria: Invitae Variant Classification Sherloc (09022015). Collection method: clinical testing. Allele origin: germline.
Comment: This sequence change replaces arginine, which is basic and polar, with tryptophan, which is neutral and slightly polar, at codon 1268 of the ABCC6 protein (p.Arg1268Trp). This variant is present in population databases (rs368379895, gnomAD 0.02%). This variant has not been reported in the literature in individuals affected with ABCC6-related conditions. ClinVar contains an entry for this variant (Variation ID: 444363). Advanced modeling of protein sequence and biophysical properties (such as structural, functional, and spatial information, amino acid conservation, physicochemical variation, residue mobility, and thermodynamic stability) performed at Invitae indicates that this missense variant is expected to disrupt ABCC6 protein function. In summary, the available evidence is currently insufficient to determine the role of this variant in disease. Therefore, it has been classified as a Variant of Uncertain Significance.

CeGaT Center for Human Genetics Tuebingen
Classification: Uncertain significance. Last evaluated: 2017-05-01. Review status: criteria provided, single submitter. Criteria: CeGaT Center For Human Genetics Tuebingen Variant Classification Criteria Version 2. Collection method: clinical testing. Allele origin: germline. Affected: yes. Observed: 1 variant allele.

PreventionGenetics, part of Exact Sciences
Classification: Uncertain significance for ABCC6-related condition. Last evaluated: 2024-08-07. Review status: no assertion criteria provided. Collection method: clinical testing. Allele origin: germline. Not counted in ClinVar's aggregate classification.
Comment: The ABCC6 c.3802C>T variant is predicted to result in the amino acid substitution p.Arg1268Trp. This variant was reported in an individual with intrahepatic cholestasis of pregnancy, but no additional evidence was provided to support pathogenicity (supplementary data, Liu et al. 2022. PubMed ID: 36046230). This variant is reported in 0.017% of alleles in individuals of Latino descent in gnomAD. At this time, the clinical significance of this variant is uncertain due to the absence of conclusive functional and genetic evidence.